The following is an entry in ClinVar:

ClinVar aggregate classification (germline): Uncertain significance (1 of 4 stars; one submission).

Submission:

Labcorp Genetics (formerly Invitae), Labcorp
Classification: Uncertain significance. Last evaluated: 2020-12-31. Review status: criteria provided, single submitter. Criteria: Invitae Variant Classification Sherloc (09022015). Collection method: clinical testing. Allele origin: germline.
Comment: In summary, the available evidence is currently insufficient to determine the role of this variant in disease. Therefore, it has been classified as a Variant of Uncertain Significance. This variant has not been reported in the literature in individuals with CLCN6-related conditions. This variant is not present in population databases (ExAC no frequency). This sequence change creates a premature translational stop signal (p.Gly500Valfs*2) in the CLCN6 gene. It is expected to result in an absent or disrupted protein product. However, the current clinical and genetic evidence is not sufficient to establish whether loss-of-function variants in CLCN6 cause disease.

NM_001286.5(CLCN6):c.1499_1502del (p.Gly500fs)

Gene: CLCN6 (chloride voltage-gated channel 6; plus strand). Cytogenetic location: 1p36.22.
Variant type: Deletion.
Coding change: c.1499_1502del on transcript NM_001286.5 (MANE Select); coding-DNA positions 1499 to 1502, 4 bases deleted (GACG; older notation c.1499_1502delGACG).
Protein change: p.Gly500fs; shifts the reading frame from glycine 500.
Molecular consequence: frameshift variant. On other transcripts: non-coding transcript variant (1).
Genome position (GRCh38, 1-based): chr1:11,834,003-11,834,006, GACG deleted; deleting any 4 consecutive bases within chr1:11,834,002-11,834,006 gives the same sequence; the c. name uses the placement nearest the transcript's 3' end. VCF-style (leftmost placement, unchanged base first): chr1-11834001-TGGAC-T. GRCh37 (hg19) VCF-style: chr1-11894058-TGGAC-T.
Other names: c.1433_1436del, p.Gly478fs (NM_001256959.2); short protein forms G478fs, G500fs.
Identifiers: ClinVar variation 1513486 (VCV001513486.6), dbSNP rs2100652904, ClinGen allele CA2573130736.